The following is an entry in ClinVar:

NM_001164508.2(NEB):c.20104C>T (p.Pro6702Ser)

Gene: NEB (nebulin; minus strand). Cytogenetic location: 2q23.3.
Variant type: single nucleotide variant.
Coding change: c.20104C>T on transcript NM_001164508.2 (MANE Select); coding-DNA position 20104, C replaced by T.
Protein change: p.Pro6702Ser; replaces proline 6702 with serine.
Molecular consequence: missense variant.
Genome position (GRCh38, 1-based): chr2:151,548,361, G>A on the plus strand (C>T on the coding strand, the complement: NEB is on the minus strand). VCF-style: chr2-151548361-G-A. GRCh37 (hg19) VCF-style: chr2-152404875-G-A.
Other names: c.20104C>T, p.Pro6702Ser (NM_001164507.2, NM_001271208.2); c.15001C>T, p.Pro5001Ser (NM_004543.5); short protein forms P5001S, P6702S.
Identifiers: ClinVar variation 2040460 (VCV002040460.4), dbSNP rs2552180930, ClinGen allele CA348784350.
Genomic context (GRCh38, chr2:151,548,361, plus strand): 5'-CAGGTACCTCGCTGGTAACATTGTTGACTCTCCGGACGTGGACAAATGGAACATCTTTGG[G>A]GCCAAGTGTATACCCATATGCCTTGGTGTGTTCATAGGCTTCTTTGTACTTGAACTGCAA-3'
Protein context (NP_001157980.2, residues 6692-6712): HTKAYGYTLG[Pro6702Ser]KDVPFVHVRR

ClinVar aggregate classification (germline): Uncertain significance. Review status: criteria provided, multiple submitters, no conflicts (2 of 4 stars). 2 submissions from 2 submitters: Uncertain significance (2). Last evaluated 2022-07-01.

Conditions:
Nemaline myopathy 2 (NEM2). Also called: Nemaline myopathy 2, autosomal recessive. Identifiers: MedGen C1850569, MONDO:0009725, OMIM 256030.

Allele frequency attached by ClinVar (database versions not stated): gnomAD exomes below 0.00001.
gnomAD v4.1: 1 of 1,613,740 alleles (0.000062%); highest among the groups gnomAD compares: Non-Finnish European, 0.000085%; no homozygotes.

Submissions (2):

Revvity Omics, Revvity
Classification: Uncertain significance. Last evaluated: 2022-07-01. Review status: criteria provided, single submitter. Criteria: ACMG Guidelines, 2015. Collection method: clinical testing. Allele origin: germline.

Labcorp Genetics (formerly Invitae), Labcorp
Classification: Uncertain significance for Nemaline myopathy 2. Last evaluated: 2022-01-21. Review status: criteria provided, single submitter. Criteria: Invitae Variant Classification Sherloc (09022015). Collection method: clinical testing. Allele origin: germline.
Comment: This sequence change replaces proline, which is neutral and non-polar, with serine, which is neutral and polar, at codon 6702 of the NEB protein (p.Pro6702Ser). This variant is not present in population databases (gnomAD no frequency). This variant has not been reported in the literature in individuals affected with NEB-related conditions. Algorithms developed to predict the effect of missense changes on protein structure and function are either unavailable or do not agree on the potential impact of this missense change (SIFT: "Deleterious"; PolyPhen-2: "Not Available"; Align-GVGD: "Class C0"). In summary, the available evidence is currently insufficient to determine the role of this variant in disease. Therefore, it has been classified as a Variant of Uncertain Significance.